The following is an entry in ClinVar:

ClinVar aggregate classification (germline): Likely benign. Review status: criteria provided, multiple submitters, no conflicts (2 of 4 stars). 2 submissions from 2 submitters: Likely benign (2). Last evaluated 2025-02-01.

Conditions:
Inborn genetic diseases. Identifiers: MedGen C0950123, MeSH D030342.

Allele frequency attached by ClinVar (database versions not stated): ESP Exome Variant Server 0.00016; ExAC 0.00018; gnomAD exomes 0.00023; gnomAD 0.00024; TOPMed 0.00030.
gnomAD v4.1: 412 of 1,613,400 alleles (0.026%); highest among the groups gnomAD compares: Admixed American, 0.038%; no homozygotes.

Submissions (2):

CeGaT Center for Human Genetics Tuebingen
Classification: Likely benign. Last evaluated: 2025-02-01. Review status: criteria provided, single submitter. Criteria: CeGaT Center For Human Genetics Tuebingen Variant Classification Criteria Version 2. Collection method: clinical testing. Allele origin: germline. Affected: yes. Observed: 4 variant alleles.
Comment: ZNF292: BP4, BS1

Ambry Genetics
Classification: Likely benign for Inborn genetic diseases. Last evaluated: 2021-12-03. Review status: criteria provided, single submitter. Criteria: Ambry Variant Classification Scheme 2023. Collection method: clinical testing. Allele origin: germline.

NM_015021.3(ZNF292):c.4658C>T (p.Thr1553Met)

Gene: ZNF292 (zinc finger protein 292; plus strand). Cytogenetic location: 6q14.3.
Variant type: single nucleotide variant.
Coding change: c.4658C>T on transcript NM_015021.3 (MANE Select); coding-DNA position 4658, C replaced by T.
Protein change: p.Thr1553Met; replaces threonine 1553 with methionine.
Molecular consequence: missense variant.
Genome position (GRCh38, 1-based): chr6:87,258,287, C>T. VCF-style: chr6-87258287-C-T. GRCh37 (hg19) VCF-style: chr6-87968005-C-T.
Other names: c.4238C>T, p.Thr1413Met (NM_001351444.2); short protein forms T1553M, T1413M.
Identifiers: ClinVar variation 2364196 (VCV002364196.29), dbSNP rs199744299, ClinGen allele CA3914340.